The following is an entry in ClinVar:

ClinVar aggregate classification (germline): Uncertain significance (1 of 4 stars; one submission).

Conditions:
Kabuki syndrome. Also called: NIIKAWA-KUROKI SYNDROME; Kabuki make-up syndrome. Identifiers: Orphanet 2322, MedGen C0796004, MONDO:0016512.

gnomAD v4.1: 1 of 1,613,720 alleles (0.000062%); no homozygotes.

Submission:

Labcorp Genetics (formerly Invitae), Labcorp
Classification: Uncertain significance for Kabuki syndrome. Last evaluated: 2023-10-27. Review status: criteria provided, single submitter. Criteria: Invitae Variant Classification Sherloc (09022015). Collection method: clinical testing. Allele origin: germline.
Comment: This sequence change replaces proline, which is neutral and non-polar, with leucine, which is neutral and non-polar, at codon 583 of the KMT2D protein (p.Pro583Leu). This variant is not present in population databases (gnomAD no frequency). This variant has not been reported in the literature in individuals affected with KMT2D-related conditions. Advanced modeling of protein sequence and biophysical properties (such as structural, functional, and spatial information, amino acid conservation, physicochemical variation, residue mobility, and thermodynamic stability) performed at Invitae indicates that this missense variant is not expected to disrupt KMT2D protein function with a negative predictive value of 95%. In summary, the available evidence is currently insufficient to determine the role of this variant in disease. Therefore, it has been classified as a Variant of Uncertain Significance.

NM_003482.4(KMT2D):c.1748C>T (p.Pro583Leu)

Gene: KMT2D (lysine methyltransferase 2D; minus strand). Cytogenetic location: 12q13.12.
Variant type: single nucleotide variant.
Coding change: c.1748C>T on transcript NM_003482.4 (MANE Select); coding-DNA position 1748, C replaced by T.
Protein change: p.Pro583Leu; replaces proline 583 with leucine.
Molecular consequence: missense variant.
Genome position (GRCh38, 1-based): chr12:49,051,935, G>A on the plus strand (C>T on the coding strand, the complement: KMT2D is on the minus strand). VCF-style: chr12-49051935-G-A. GRCh37 (hg19) VCF-style: chr12-49445718-G-A.
Other names: short protein forms P583L.
Identifiers: ClinVar variation 2745693 (VCV002745693.3), dbSNP rs2120679088, ClinGen allele CA384673272.